The following is an entry in ClinVar:

NM_002755.4(MAP2K1):c.69C>T (p.Thr23=)

Gene: MAP2K1 (mitogen-activated protein kinase kinase 1; plus strand). Cytogenetic location: 15q22.31.
Variant type: single nucleotide variant.
Coding change: c.69C>T on transcript NM_002755.4 (MANE Select); coding-DNA position 69, C replaced by T.
Protein change: p.Thr23=; no amino-acid change (threonine 23 retained).
Molecular consequence: synonymous variant.
Genome position (GRCh38, 1-based): chr15:66,387,416, C>T. VCF-style: chr15-66387416-C-T. GRCh37 (hg19) VCF-style: chr15-66679754-C-T.
Other names: p.T23T:ACC>ACT; NM_002755.3(MAP2K1):c.69C>T.
Identifiers: ClinVar variation 138155 (VCV000138155.29), dbSNP rs140749690, ClinGen allele CA181309.

ClinVar aggregate classification (germline): Likely benign. Review status: reviewed by expert panel (3 of 4 stars). 10 submissions from 10 submitters: Likely benign (1). 9 of the submissions do not count toward it. Last evaluated 2017-05-09.

Conditions:
MAP2K1-related disorder. Also called: MAP2K1-related disorders; MAP2K1-related condition.
Cardiovascular phenotype. Identifiers: MedGen CN230736.
RASopathy. Also called: Noonan spectrum disorder; rasopathies. Identifiers: Orphanet 536391, MedGen C5555857, MONDO:0021060.

Allele frequency attached by ClinVar (database versions not stated): gnomAD exomes 0.00008; ExAC 0.00018; 1000 Genomes Project 0.00040; 1000 Genomes Project 30x 0.00047; gnomAD 0.00051 and 0.00054; TOPMed 0.00055; ESP Exome Variant Server 0.00071.
gnomAD v4.1: 142 of 1,559,168 alleles (0.0091%); highest among the groups gnomAD compares: African/African-American, 0.16%; no homozygotes.

Submissions (10):

ClinGen RASopathy Variant Curation Expert Panel
Classification: Likely benign for Noonan syndrome and Noonan-related syndrome. Last evaluated: 2017-05-09. Review status: reviewed by expert panel. Criteria: ClinGen RASopathy ACMG Specifications v1. Collection method: curation. Allele origin: germline. Inheritance: Autosomal dominant inheritance.
Comment: The filtering allele frequency of the c.69C>T (p.Thr23=) variant in the MAP2K1 gene is 0.0484% (4/2820) of African chromosomes by the Exome Aggregation Consortium, which is a high enough frequency to be classified as likely benign based on thresholds defined by the ClinGen RASopathy Expert Panel (BS1; PMID:29493581)

Labcorp Genetics (formerly Invitae), Labcorp
Classification: Benign for RASopathy. Last evaluated: 2026-01-28. Review status: criteria provided, single submitter. Criteria: Invitae Variant Classification Sherloc (09022015). Collection method: clinical testing. Allele origin: germline. Not counted in ClinVar's aggregate classification.

CeGaT Center for Human Genetics Tuebingen
Classification: Likely benign. Last evaluated: 2025-04-01. Review status: criteria provided, single submitter. Criteria: CeGaT Center For Human Genetics Tuebingen Variant Classification Criteria Version 2. Collection method: clinical testing. Allele origin: germline. Affected: yes. Observed: 1 variant allele. Not counted in ClinVar's aggregate classification.
Comment: MAP2K1: BP4, BP7

Blueprint Genetics
Classification: Likely benign. Last evaluated: 2024-09-12. Review status: criteria provided, single submitter. Criteria: ACMG Guidelines, 2015. Collection method: clinical testing. Allele origin: germline. Not counted in ClinVar's aggregate classification.

Ambry Genetics
Classification: Likely benign for Cardiovascular phenotype. Last evaluated: 2022-04-19. Review status: criteria provided, single submitter. Criteria: Ambry Variant Classification Scheme 2023. Collection method: clinical testing. Allele origin: germline. Not counted in ClinVar's aggregate classification.

Women's Health and Genetics/Laboratory Corporation of America, LabCorp
Classification: Benign. Last evaluated: 2017-10-04. Review status: criteria provided, single submitter. Criteria: LabCorp Variant Classification Summary - May 2015. Collection method: clinical testing. Allele origin: germline. Not counted in ClinVar's aggregate classification.
Comment: Variant summary: The MAP2K1 c.69C>T (p.Thr23Thr) variant involves the alteration of a non-conserved nucleotide, resulting in a synonymous change. MutationTaster predicts a damaging outcome for this variant. 5/5 splice prediction tools predict no significant impact on normal splicing. ESE finder predicts that this variant may introduce an SF2/ASF ESE site at the locus. However, these predictions have yet to be confirmed by functional studies. This variant was found in 25/188032 control chromosomes, predominantly observed in the African subpopulation at a frequency of 0.001386 (24/17310). This frequency is about 554 times the estimated maximal expected allele frequency of a pathogenic MAP2K1 variant (0.0000025), strongly suggesting this is likely a benign polymorphism found primarily in populations of African origin. In addition, multiple clinical diagnostic laboratories/reputable databases classified this variant as likely benign or benign. The variant of interest has not, to our knowledge, been reported in affected individuals via publications, nor evaluated for functional impact by in vivo/vitro studies. Taken together, this variant is classified as benign.

Laboratory for Molecular Medicine, Mass General Brigham Personalized Medicine
Classification: Likely benign. Last evaluated: 2016-02-04. Review status: criteria provided, single submitter. Criteria: LMM Criteria. Collection method: clinical testing. Allele origin: germline. Observed: 2 variant alleles. Not counted in ClinVar's aggregate classification.
Comment: p.Thr23Thr in exon 1 of MAP2K1: This variant is not expected to have clinical si gnificance because it does not alter an amino acid residue and is not located wi thin the splice consensus sequence. It has been identified in 0.1% (4/2820) of A frican chromosomes by the Exome Aggregation Consortium Project (ExAC, c.; dbSNP rs140749690).

GeneDx
Classification: Benign. Last evaluated: 2013-12-05. Review status: criteria provided, single submitter. Criteria: GeneDx Variant Classification (06012015). Collection method: clinical testing. Allele origin: germline. Affected: yes. Not counted in ClinVar's aggregate classification.
Comment: This variant is considered likely benign or benign based on one or more of the following criteria: it is a conservative change, it occurs at a poorly conserved position in the protein, it is predicted to be benign by multiple in silico algorithms, and/or has population frequency not consistent with disease.

Breakthrough Genomics
Classification: Likely benign. Review status: criteria provided, single submitter. Criteria: ACMG Guidelines, 2015. Collection method: not provided. Allele origin: germline. Inheritance: Autosomal dominant inheritance. Affected: yes. Not counted in ClinVar's aggregate classification.

PreventionGenetics, part of Exact Sciences
Classification: Likely benign for MAP2K1-related condition. Last evaluated: 2024-01-04. Review status: no assertion criteria provided. Collection method: clinical testing. Allele origin: germline. Not counted in ClinVar's aggregate classification.
Comment: This variant is classified as likely benign based on ACMG/AMP sequence variant interpretation guidelines (Richards et al. 2015 PMID: 25741868, with internal and published modifications).